The following is an entry in ClinVar:

ClinVar aggregate classification (germline): Uncertain significance (1 of 4 stars; one submission).

Conditions:
Aortic aneurysm, familial thoracic 7 (AAT7). Also called: AORTIC DISSECTION, FAMILIAL, WITH OR WITHOUT AORTIC ANEURYSM. Identifiers: MedGen C3151077, MONDO:0013418, OMIM 613780.

Submission:

Labcorp Genetics (formerly Invitae), Labcorp
Classification: Uncertain significance for Aortic aneurysm, familial thoracic 7. Last evaluated: 2021-08-27. Review status: criteria provided, single submitter. Criteria: Invitae Variant Classification Sherloc (09022015). Collection method: clinical testing. Allele origin: germline.
Comment: This sequence change replaces isoleucine with valine at codon 279 of the MYLK protein (p.Ile279Val). The isoleucine residue is moderately conserved and there is a small physicochemical difference between isoleucine and valine. This variant is not present in population databases (ExAC no frequency). This variant has not been reported in the literature in individuals affected with MYLK-related conditions. Algorithms developed to predict the effect of missense changes on protein structure and function output the following: SIFT: "Tolerated"; PolyPhen-2: "Benign"; Align-GVGD: "Class C0". The valine amino acid residue is found in multiple mammalian species, which suggests that this missense change does not adversely affect protein function. In summary, the available evidence is currently insufficient to determine the role of this variant in disease. Therefore, it has been classified as a Variant of Uncertain Significance.

NM_053025.4(MYLK):c.835A>G (p.Ile279Val)

Gene: MYLK (myosin light chain kinase; minus strand). Cytogenetic location: 3q21.1.
Variant type: single nucleotide variant.
Coding change: c.835A>G on transcript NM_053025.4 (MANE Select); coding-DNA position 835, A replaced by G.
Protein change: p.Ile279Val; replaces isoleucine 279 with valine.
Molecular consequence: missense variant.
Genome position (GRCh38, 1-based): chr3:123,734,161, T>C on the plus strand (A>G on the coding strand, the complement: MYLK is on the minus strand). VCF-style: chr3-123734161-T-C. GRCh37 (hg19) VCF-style: chr3-123453008-T-C.
Other names: c.307A>G, p.Ile103Val (NM_001321309.2); c.835A>G, p.Ile279Val (NM_053026.4, NM_053027.4, NM_053028.4); short protein forms I103V, I279V.
Identifiers: ClinVar variation 936782 (VCV000936782.6), dbSNP rs2062594836, ClinGen allele CA354240046.